The following is an entry in ClinVar:

ClinVar aggregate classification (germline): Benign. Review status: criteria provided, multiple submitters, no conflicts (2 of 4 stars). 2 submissions from 2 submitters: Benign (2). Last evaluated 2018-01-12.

Conditions:
Auriculocondylar syndrome 2 (ARCND2A). Also called: AURICULOCONDYLAR SYNDROME 2A. Identifiers: Orphanet 137888, MedGen C3553404, MONDO:0013845, OMIM 614669.

Allele frequency attached by ClinVar (database versions not stated): 1000 Genomes Project 30x 0.03326; 1000 Genomes Project 0.03375; TOPMed 0.05795; gnomAD 0.06591 and 0.06654; gnomAD exomes 0.07172.
gnomAD v4.1: 13,448 of 200,102 alleles (6.7%); highest among the groups gnomAD compares: Non-Finnish European, 9.3%; 567 homozygotes.

Submissions (2):

Illumina Laboratory Services, Illumina
Classification: Benign for Auriculocondylar syndrome 2. Last evaluated: 2018-01-12. Review status: criteria provided, single submitter. Criteria: ICSL Variant Classification Criteria 13 December 2019. Collection method: clinical testing. Allele origin: germline.
Comment: This variant was observed in the ICSL laboratory as part of a predisposition screen in an ostensibly healthy population. It had not been previously curated by ICSL or reported in the Human Gene Mutation Database (HGMD: prior to June 1st, 2018), and was therefore a candidate for classification through an automated scoring system. Utilizing variant allele frequency, disease prevalence and penetrance estimates, and inheritance mode, an automated score was calculated to assess if this variant is too frequent to cause the disease. Based on the score and internal cut-off values, a variant classified as benign is not then subjected to further curation. The score for this variant resulted in a classification of benign for this disease.

Breakthrough Genomics
Classification: Benign. Review status: criteria provided, single submitter. Criteria: ACMG Guidelines, 2015. Collection method: not provided. Allele origin: germline. Inheritance: Autosomal dominant inheritance. Affected: yes.

NM_001377142.1(PLCB4):c.*345C>T

Gene: PLCB4 (phospholipase C beta 4; plus strand). Cytogenetic location: 20p12.2.
Variant type: single nucleotide variant.
Coding change: c.*345C>T on transcript NM_001377142.1 (MANE Select); 345 bases downstream of the stop codon, C replaced by T.
Molecular consequence: 3 prime UTR variant.
Genome position (GRCh38, 1-based): chr20:9,479,354, C>T. VCF-style: chr20-9479354-C-T. GRCh37 (hg19) VCF-style: chr20-9460001-C-T.
Other names: c.*345C>T (NM_000933.4, NM_001377134.2, NM_001377135.1 and 1 more transcripts); c.*365C>T (NM_001172646.2, NM_001377136.1, NM_182797.3).
Identifiers: ClinVar variation 339601 (VCV000339601.6), dbSNP rs77776955, ClinGen allele CA10653470.